The following is an entry in ClinVar:

ClinVar aggregate classification (germline): Uncertain significance (1 of 4 stars; one submission).

gnomAD v4.1: 72 of 1,614,038 alleles (0.0045%); highest among the groups gnomAD compares: East Asian, 0.062%; no homozygotes.

Submission:

Labcorp Genetics (formerly Invitae), Labcorp
Classification: Uncertain significance. Last evaluated: 2024-10-10. Review status: criteria provided, single submitter. Criteria: Invitae Variant Classification Sherloc (09022015). Collection method: clinical testing. Allele origin: germline.
Comment: This sequence change replaces valine, which is neutral and non-polar, with methionine, which is neutral and non-polar, at codon 445 of the ITGB3 protein (p.Val445Met). This variant is present in population databases (rs377628203, gnomAD 0.2%). This variant has not been reported in the literature in individuals affected with ITGB3-related conditions. Invitae Evidence Modeling of protein sequence and biophysical properties (such as structural, functional, and spatial information, amino acid conservation, physicochemical variation, residue mobility, and thermodynamic stability) indicates that this missense variant is not expected to disrupt ITGB3 protein function with a negative predictive value of 80%. In summary, the available evidence is currently insufficient to determine the role of this variant in disease. Therefore, it has been classified as a Variant of Uncertain Significance.

NM_000212.3(ITGB3):c.1333G>A (p.Val445Met)

Gene: ITGB3 (integrin subunit beta 3; plus strand). Cytogenetic location: 17q21.32.
Variant type: single nucleotide variant.
Coding change: c.1333G>A on transcript NM_000212.3 (MANE Select); coding-DNA position 1333, G replaced by A.
Protein change: p.Val445Met; replaces valine 445 with methionine.
Molecular consequence: missense variant.
Genome position (GRCh38, 1-based): chr17:47,292,211, G>A. VCF-style: chr17-47292211-G-A. GRCh37 (hg19) VCF-style: chr17-45369577-G-A.
Other names: short protein forms V445M.
Identifiers: ClinVar variation 3694870 (VCV003694870.1).